The following is an entry in ClinVar:

ClinVar aggregate classification (germline): Conflicting classifications of pathogenicity. Review status: criteria provided, conflicting classifications (1 of 4 stars). 4 submissions from 4 submitters: Uncertain significance (3); Likely benign (1). Last evaluated 2025-10-14.

Conditions:
Hereditary sensory neuropathy-deafness-dementia syndrome. Also called: HSN IE; NEUROPATHY, HEREDITARY SENSORY, WITH HEARING LOSS AND DEMENTIA; Hereditary Sensory and Autonomic Neuropathy Type 1E (HSAN1E); Hereditary sensory neuropathy type IE. Identifiers: Orphanet 456318, MedGen C3279885, MONDO:0013584, OMIM 614116.
DNMT1-related disorder. Also called: DNMT1-related condition. Identifiers: MedGen CN381527.
Inborn genetic diseases. Identifiers: MedGen C0950123, MeSH D030342.

Allele frequency attached by ClinVar (database versions not stated): ExAC 0.00001; gnomAD 0.00001.
gnomAD v4.1: 26 of 1,613,938 alleles (0.0016%); highest among the groups gnomAD compares: Non-Finnish European, 0.0018%; no homozygotes.

Submissions (4):

PreventionGenetics, part of Exact Sciences
Classification: Uncertain significance for DNMT1-related condition. Last evaluated: 2025-10-14. Review status: criteria provided, single submitter. Criteria: ACMG Guidelines, 2015. Collection method: clinical testing. Allele origin: germline.
Comment: The DNMT1 c.803C>T variant is predicted to result in the amino acid substitution p.Pro268Leu. To our knowledge, this variant has not been reported in the literature. This variant is reported in 0.0026% of alleles in individuals of European (Non-Finnish) descent in gnomAD. At this time, the clinical significance of this variant is uncertain due to the absence of conclusive functional and genetic evidence.

Labcorp Genetics (formerly Invitae), Labcorp
Classification: Uncertain significance for Hereditary sensory neuropathy-deafness-dementia syndrome. Last evaluated: 2025-10-01. Review status: criteria provided, single submitter. Criteria: Invitae Variant Classification Sherloc (09022015). Collection method: clinical testing. Allele origin: germline.
Comment: This sequence change replaces proline, which is neutral and non-polar, with leucine, which is neutral and non-polar, at codon 268 of the DNMT1 protein (p.Pro268Leu). This variant is present in population databases (rs779634956, gnomAD 0.003%). This variant has not been reported in the literature in individuals affected with DNMT1-related conditions. ClinVar contains an entry for this variant (Variation ID: 566392). An algorithm developed to predict the effect of missense changes on protein structure and function outputs the following: PolyPhen-2: "Benign". The leucine amino acid residue is found in multiple mammalian species, which suggests that this missense change does not adversely affect protein function. In summary, the available evidence is currently insufficient to determine the role of this variant in disease. Therefore, it has been classified as a Variant of Uncertain Significance.

Ambry Genetics
Classification: Likely benign for Inborn genetic diseases. Last evaluated: 2021-10-05. Review status: criteria provided, single submitter. Criteria: Ambry Variant Classification Scheme 2023. Collection method: clinical testing. Allele origin: germline.

GeneDx
Classification: Uncertain significance. Last evaluated: 2020-01-02. Review status: criteria provided, single submitter. Criteria: GeneDx Variant Classification Process June 2021. Collection method: clinical testing. Allele origin: germline. Affected: yes.
Comment: Not observed at a significant frequency in large population cohorts (Lek et al., 2016); In silico analysis, which includes protein predictors and evolutionary conservation, supports that this variant does not alter protein structure/function; Has not been previously published as pathogenic or benign to our knowledge

NM_001130823.3(DNMT1):c.803C>T (p.Pro268Leu)

Gene: DNMT1 (DNA methyltransferase 1; minus strand). Cytogenetic location: 19p13.2.
Variant type: single nucleotide variant.
Coding change: c.803C>T on transcript NM_001130823.3 (MANE Select); coding-DNA position 803, C replaced by T.
Protein change: p.Pro268Leu; replaces proline 268 with leucine.
Molecular consequence: missense variant.
Genome position (GRCh38, 1-based): chr19:10,168,330, G>A on the plus strand (C>T on the coding strand, the complement: DNMT1 is on the minus strand). VCF-style: chr19-10168330-G-A. GRCh37 (hg19) VCF-style: chr19-10279006-G-A.
Other names: c.803C>T (NM_001130823.2, LRG_362t1); c.755C>T, p.Pro252Leu (NM_001318730.2, NM_001379.4); c.440C>T, p.Pro147Leu (NM_001318731.2); short protein forms P268L, P252L, P147L.
Identifiers: ClinVar variation 566392 (VCV000566392.13), dbSNP rs779634956, ClinGen allele CA9188596.
Genomic context (GRCh38, chr19:10,168,330, plus strand): 5'-ATACTTATGTTAGCAATTCAGTTTCACAACAAAGCACAAAGGCAGGTTCGCTGCACTTAC[G>A]GTTCTTTGGTTTGACTTCGGAGTCTCTTTTCTTCCTAAGTTGCAGGGAAAAAAGACAAGT-3'
Protein context (NP_001124295.1, residues 258-278): EKRLRSQTKE[Pro268Leu]TPKQKLKEEP